The following is an entry in ClinVar:

ClinVar aggregate classification (germline): Uncertain significance (1 of 4 stars; one submission).

Conditions:
Developmental and epileptic encephalopathy, 57. Also called: EPILEPTIC ENCEPHALOPATHY, EARLY INFANTILE, 57. Identifiers: MedGen C4540411, MONDO:0033366, OMIM 617771.

Submission:

Victorian Clinical Genetics Services, Murdoch Childrens Research Institute
Classification: Uncertain significance for Developmental and epileptic encephalopathy, 57. Last evaluated: 2026-02-04. Review status: criteria provided, single submitter. Criteria: ACMG Guidelines, 2015. Collection method: clinical testing. Allele origin: germline. Affected: yes.
Comment: This variant is classified as VUS-3A. Evidence in support of pathogenic classification: Variant is predicted to cause nonsense-mediated decay (NMD) and loss of protein (premature termination codon is located at least 54 nucleotides upstream of the final exon-exon junction); Variant is absent from gnomAD (both v2 and v3). Additional information: This variant is heterozygous; This gene is associated with autosomal dominant disease; An alternative CNV expected to also have an NMD-predicted outcome is present in gnomAD sV (highest allele count: 20 heterozygote(s), 0 homozygote(s)); This variant has no previous evidence of pathogenicity; No published segregation evidence has been identified for this variant; No published functional evidence has been identified for this variant; Other NMD-predicted variant(s) comparable to the one identified in this case have conflicting previous evidence for pathogenicity. NMD-predicted variants in this gene have been classified as likely pathogenic/pathogenic by clinical laboratories or observed in individuals with epilepsy (ClinVar, PMID: 38510274). However, these variants have also been reported as VUS by clinical laboratories in ClinVar, or were inherited from an unaffected parent (VCGS); Gain of function, loss of function (LOF) and change of function have all been reported for variants in patients with developmental and epileptic encephalopathy, including epilepsy of infancy with migrating focal seizures (PMID: 29069600, PMID: 29740868, PMID: 32038177). However, dominant negative has not been excluded for variants displaying a LOF effect.

Literature cited by the submitters: PubMed 29740868; PubMed 32038177; PubMed 29069600; PubMed 38510274.

NM_198503.5(KCNT2):c.433del (p.Ile145fs)

Gene: KCNT2 (potassium sodium-activated channel subfamily T member 2; minus strand). Cytogenetic location: 1q31.3.
Variant type: Deletion.
Coding change: c.433del on transcript NM_198503.5 (MANE Select); coding-DNA position 433, one base deleted (A; older notation c.433delA).
Protein change: p.Ile145fs; shifts the reading frame from isoleucine 145.
Molecular consequence: frameshift variant. On other transcripts: non-coding transcript variant (2).
Genome position (GRCh38, 1-based): chr1:196,469,020, T deleted on the plus strand (A on the coding strand, the reverse complement: KCNT2 is on the minus strand); the first of 2 consecutive T bases (chr1:196,469,020-196,469,021); deleting either gives the same sequence. VCF-style (leftmost placement, unchanged base first): chr1-196469019-AT-A. GRCh37 (hg19) VCF-style: chr1-196438149-AT-A.
Other names: c.433del, p.Ile145fs (NM_001287819.3, NM_001287820.3); short protein forms I145fs.
Identifiers: ClinVar variation 1805425 (VCV001805425.1), dbSNP rs2527113758, ClinGen allele CA2573102933.